The following is an entry in ClinVar:

ClinVar aggregate classification (germline): Uncertain significance (1 of 4 stars; one submission).

gnomAD v4.1: 3 of 1,613,738 alleles (0.00019%); highest among the groups gnomAD compares: Non-Finnish European, 0.00025%; no homozygotes.

Submission:

CeGaT Center for Human Genetics Tuebingen
Classification: Uncertain significance. Last evaluated: 2024-02-01. Review status: criteria provided, single submitter. Criteria: CeGaT Center For Human Genetics Tuebingen Variant Classification Criteria Version 2. Collection method: clinical testing. Allele origin: germline. Affected: yes. Observed: 1 variant allele.
Comment: DARS2: PM2

NM_018122.5(DARS2):c.1367G>T (p.Arg456Leu)

Gene: DARS2 (aspartyl-tRNA synthetase 2, mitochondrial; plus strand). Cytogenetic location: 1q25.1.
Variant type: single nucleotide variant.
Coding change: c.1367G>T on transcript NM_018122.5 (MANE Select); coding-DNA position 1367, G replaced by T.
Protein change: p.Arg456Leu; replaces arginine 456 with leucine.
Molecular consequence: missense variant.
Genome position (GRCh38, 1-based): chr1:173,853,371, G>T. VCF-style: chr1-173853371-G-T. GRCh37 (hg19) VCF-style: chr1-173822509-G-T.
Other names: c.1214G>T, p.Arg405Leu (NM_001365212.1); short protein forms R405L, R456L.
Identifiers: ClinVar variation 3027185 (VCV003027185.22), dbSNP rs1397125966, ClinGen allele CA343766332.